The following is an entry in ClinVar:

ClinVar aggregate classification (germline): Benign. Review status: criteria provided, multiple submitters, no conflicts (2 of 4 stars). 4 submissions from 4 submitters: Benign (4). Last evaluated 2026-02-01.

Conditions:
Age related macular degeneration 1 (ARMD1). Also called: MACULOPATHY, AGE-RELATED, 1. Identifiers: MedGen C1864205, MONDO:0011285, OMIM 603075.

Allele frequency attached by ClinVar (database versions not stated): gnomAD 0.00091 and 0.00137; TOPMed 0.00091; ESP Exome Variant Server 0.00138; gnomAD exomes 0.00193 and 0.00315; ExAC 0.00337; 1000 Genomes Project 30x 0.00390; 1000 Genomes Project 0.00459.
gnomAD v4.1: 3,036 of 1,613,014 alleles (0.19%); highest among the groups gnomAD compares: South Asian, 1.6%; 31 homozygotes.

Submissions (4):

Labcorp Genetics (formerly Invitae), Labcorp
Classification: Benign. Last evaluated: 2026-02-01. Review status: criteria provided, single submitter. Criteria: Invitae Variant Classification Sherloc (09022015). Collection method: clinical testing. Allele origin: germline.

Genome-Nilou Lab
Classification: Benign for Age related macular degeneration 1. Last evaluated: 2023-04-11. Review status: criteria provided, single submitter. Criteria: ACMG Guidelines, 2015. Collection method: clinical testing. Allele origin: germline. Affected: no.

Illumina Laboratory Services, Illumina
Classification: Benign for Age related macular degeneration 1. Last evaluated: 2018-01-13. Review status: criteria provided, single submitter. Criteria: ICSL Variant Classification Criteria 13 December 2019. Collection method: clinical testing. Allele origin: germline.
Comment: This variant was observed in the ICSL laboratory as part of a predisposition screen in an ostensibly healthy population. It had not been previously curated by ICSL or reported in the Human Gene Mutation Database (HGMD: prior to June 1st, 2018), and was therefore a candidate for classification through an automated scoring system. Utilizing variant allele frequency, disease prevalence and penetrance estimates, and inheritance mode, an automated score was calculated to assess if this variant is too frequent to cause the disease. Based on the score and internal cut-off values, a variant classified as benign is not then subjected to further curation. The score for this variant resulted in a classification of benign for this disease.

Breakthrough Genomics
Classification: Benign. Review status: criteria provided, single submitter. Criteria: ACMG Guidelines, 2015. Collection method: not provided. Allele origin: germline. Inheritance: Autosomal dominant inheritance. Affected: yes.

NM_031935.3(HMCN1):c.4515C>G (p.Asp1505Glu)

Gene: HMCN1 (hemicentin 1; plus strand). Cytogenetic location: 1q31.1.
Variant type: single nucleotide variant.
Coding change: c.4515C>G on transcript NM_031935.3 (MANE Select); coding-DNA position 4515, C replaced by G.
Protein change: p.Asp1505Glu; replaces aspartic acid 1505 with glutamic acid.
Molecular consequence: missense variant.
Genome position (GRCh38, 1-based): chr1:186,007,167, C>G. VCF-style: chr1-186007167-C-G. GRCh37 (hg19) VCF-style: chr1-185976299-C-G.
Other names: short protein forms D1505E.
Identifiers: ClinVar variation 294151 (VCV000294151.16), dbSNP rs146532107, ClinGen allele CA1292041.
Genomic context (GRCh38, chr1:186,007,167, plus strand): 5'-ATAAAGTTTTATTTTTTCTAGGCCTTTATTTTTGGGCGATCCTAATGTTGAACTTCTAGA[C>G]AGAGGACAAGTCTTACATTTAAAGAATGCACGGAGAAATGACAAGGGGCGCTACCAATGT-3'
Protein context (NP_114141.2, residues 1495-1515): FLGDPNVELL[Asp1505Glu]RGQVLHLKNA